The following is an entry in ClinVar:

NM_000528.4(MAN2B1):c.2166-2A>G

Gene: MAN2B1 (mannosidase alpha class 2B member 1; minus strand). Cytogenetic location: 19p13.13.
Variant type: single nucleotide variant.
Coding change: c.2166-2A>G on transcript NM_000528.4 (MANE Select); the canonical splice acceptor site of the intron before coding-DNA position 2166, A replaced by G.
Molecular consequence: splice acceptor variant.
Genome position (GRCh38, 1-based): chr19:12,650,016, T>C on the plus strand (A>G on the coding strand, the complement: MAN2B1 is on the minus strand). VCF-style: chr19-12650016-T-C. GRCh37 (hg19) VCF-style: chr19-12760830-T-C.
Other names: c.2163-2A>G (NM_001173498.2).
Identifiers: ClinVar variation 1488965 (VCV001488965.8), dbSNP rs2145232776, ClinGen allele CA404243012.
Genomic context (GRCh38, chr19:12,650,016, plus strand): 5'-GTCCCTTTGTCTCCAGCGGTGTGTCAAAACGGCTGATGACCTCCTTCCCCCAGGTGTCGC[T>C]GTACCCAATGGGATGGCAAGGTTGTGAGCCTTGGATAAACCCCTCTGCCCTTGCTTCCAC-3'

ClinVar aggregate classification (germline): Likely pathogenic (1 of 4 stars; one submission).

Conditions:
Deficiency of alpha-mannosidase (MANSA). Also called: Alpha-Mannosidosis; LYSOSOMAL ALPHA-D-MANNOSIDASE DEFICIENCY; Mannosidosis, alpha-, types I and II. Identifiers: Orphanet 61, MedGen C0024748, MONDO:0009561, OMIM 248500.

Submission:

Labcorp Genetics (formerly Invitae), Labcorp
Classification: Likely pathogenic for Deficiency of alpha-mannosidase. Last evaluated: 2021-05-31. Review status: criteria provided, single submitter. Criteria: Invitae Variant Classification Sherloc (09022015). Collection method: clinical testing. Allele origin: germline.
Comment: In summary, the currently available evidence indicates that the variant is pathogenic, but additional data are needed to prove that conclusively. Therefore, this variant has been classified as Likely Pathogenic. Algorithms developed to predict the effect of sequence changes on RNA splicing suggest that this variant may disrupt the consensus splice site, but this prediction has not been confirmed by published transcriptional studies. This variant has not been reported in the literature in individuals with MAN2B1-related conditions. This variant is not present in population databases (ExAC no frequency). This sequence change affects an acceptor splice site in intron 17 of the MAN2B1 gene. It is expected to disrupt RNA splicing. Variants that disrupt the donor or acceptor splice site typically lead to a loss of protein function (PMID: 16199547), and loss-of-function variants in MAN2B1 are known to be pathogenic (PMID: 9915946, 22161967).

Literature cited by the submitters: PubMed 16199547; PubMed 9915946; PubMed 22161967.